The following is an entry in ClinVar:

ClinVar aggregate classification (germline): Uncertain significance. Review status: criteria provided, multiple submitters, no conflicts (2 of 4 stars). 2 submissions from 2 submitters: Uncertain significance (2). Last evaluated 2025-08-06.

Conditions:
Inborn genetic diseases. Identifiers: MedGen C0950123, MeSH D030342.
Saldino-Mainzer syndrome (SRTD9). Also called: CONORENAL SYNDROME; Renal dysplasia, retinal pigmentary dystrophy, cerebellar ataxia and skeletal dysplasia; SHORT-RIB THORACIC DYSPLASIA 9 WITHOUT POLYDACTYLY; short-rib thoracic dysplasia 9 with or without polydactyly. Identifiers: Orphanet 140969, MedGen C1849437, MONDO:0009964, OMIM 266920.

Allele frequency attached by ClinVar (database versions not stated): gnomAD 0.00002 and 0.00003; TOPMed 0.00002.
gnomAD v4.1: 7 of 1,613,880 alleles (0.00043%); highest among the groups gnomAD compares: African/African-American, 0.0053%; no homozygotes.

Submissions (2):

Ambry Genetics
Classification: Uncertain significance for Inborn genetic diseases. Last evaluated: 2025-08-06. Review status: criteria provided, single submitter. Criteria: Ambry Variant Classification Scheme 2023. Collection method: clinical testing. Allele origin: germline.

Labcorp Genetics (formerly Invitae), Labcorp
Classification: Uncertain significance for Saldino-Mainzer syndrome. Last evaluated: 2022-06-20. Review status: criteria provided, single submitter. Criteria: Invitae Variant Classification Sherloc (09022015). Collection method: clinical testing. Allele origin: germline.
Comment: Algorithms developed to predict the effect of sequence changes on RNA splicing suggest that this variant may create or strengthen a splice site. In summary, the available evidence is currently insufficient to determine the role of this variant in disease. Therefore, it has been classified as a Variant of Uncertain Significance. Algorithms developed to predict the effect of missense changes on protein structure and function (SIFT, PolyPhen-2, Align-GVGD) all suggest that this variant is likely to be tolerated. This variant has not been reported in the literature in individuals affected with IFT140-related conditions. This variant is present in population databases (no rsID available, gnomAD 0.01%). This sequence change replaces alanine, which is neutral and non-polar, with valine, which is neutral and non-polar, at codon 771 of the IFT140 protein (p.Ala771Val).

NM_014714.4(IFT140):c.2312C>T (p.Ala771Val)

Gene: IFT140 (intraflagellar transport 140; minus strand). Cytogenetic location: 16p13.3.
Variant type: single nucleotide variant.
Coding change: c.2312C>T on transcript NM_014714.4 (MANE Select); coding-DNA position 2312, C replaced by T.
Protein change: p.Ala771Val; replaces alanine 771 with valine.
Molecular consequence: missense variant.
Genome position (GRCh38, 1-based): chr16:1,558,022, G>A on the plus strand (C>T on the coding strand, the complement: IFT140 is on the minus strand). VCF-style: chr16-1558022-G-A. GRCh37 (hg19) VCF-style: chr16-1608023-G-A.
Other names: c.2312C>T (NM_014714.3); short protein forms A771V.
Identifiers: ClinVar variation 1418944 (VCV001418944.7), dbSNP rs764243187, ClinGen allele CA276653250.